The following is an entry in ClinVar:

NM_020987.5(ANK3):c.10334T>A (p.Ile3445Asn)

Gene: ANK3 (ankyrin 3; minus strand). Cytogenetic location: 10q21.2.
Variant type: single nucleotide variant.
Coding change: c.10334T>A on transcript NM_020987.5 (MANE Select); coding-DNA position 10334, T replaced by A.
Protein change: p.Ile3445Asn; replaces isoleucine 3445 with asparagine.
Molecular consequence: missense variant. On other transcripts: intron variant (4).
Genome position (GRCh38, 1-based): chr10:60,070,547, A>T on the plus strand (T>A on the coding strand, the complement: ANK3 is on the minus strand). VCF-style: chr10-60070547-A-T. GRCh37 (hg19) VCF-style: chr10-61830305-A-T.
Other names: c.4388-2538T>A (NM_001204403.2); c.4409-2538T>A (NM_001204404.2); c.4406-2538T>A (NM_001320874.2); c.1808-2538T>A (NM_001149.4); short protein forms I3445N.
Identifiers: ClinVar variation 2052047 (VCV002052047.4), dbSNP rs1273275880, ClinGen allele CA377000791.

ClinVar aggregate classification (germline): Uncertain significance (1 of 4 stars; one submission).

Submission:

Labcorp Genetics (formerly Invitae), Labcorp
Classification: Uncertain significance. Last evaluated: 2025-02-24. Review status: criteria provided, single submitter. Criteria: Invitae Variant Classification Sherloc (09022015). Collection method: clinical testing. Allele origin: germline.
Comment: This sequence change replaces isoleucine, which is neutral and non-polar, with asparagine, which is neutral and polar, at codon 3445 of the ANK3 protein (p.Ile3445Asn). This variant is not present in population databases (gnomAD no frequency). This variant has not been reported in the literature in individuals affected with ANK3-related conditions. ClinVar contains an entry for this variant (Variation ID: 2052047). Invitae Evidence Modeling of protein sequence and biophysical properties (such as structural, functional, and spatial information, amino acid conservation, physicochemical variation, residue mobility, and thermodynamic stability) indicates that this missense variant is not expected to disrupt ANK3 protein function with a negative predictive value of 80%. In summary, the available evidence is currently insufficient to determine the role of this variant in disease. Therefore, it has been classified as a Variant of Uncertain Significance.